The following is an entry in ClinVar:

NM_001103.4(ACTN2):c.2035A>C (p.Lys679Gln)

Gene: ACTN2 (actinin alpha 2; plus strand). Cytogenetic location: 1q43.
Variant type: single nucleotide variant.
Coding change: c.2035A>C on transcript NM_001103.4 (MANE Select); coding-DNA position 2035, A replaced by C.
Protein change: p.Lys679Gln; replaces lysine 679 with glutamine.
Molecular consequence: missense variant.
Genome position (GRCh38, 1-based): chr1:236,755,079, A>C. VCF-style: chr1-236755079-A-C. GRCh37 (hg19) VCF-style: chr1-236918379-A-C.
Other names: c.2035A>C (NM_001103.2); c.2035A>C, p.Lys679Gln (NM_001278343.2); c.1411A>C, p.Lys471Gln (NM_001278344.2); short protein forms K471Q, K679Q.
Identifiers: ClinVar variation 1435175 (VCV001435175.7), dbSNP rs549698133, ClinGen allele CA39741774.

ClinVar aggregate classification (germline): Conflicting classifications of pathogenicity. Review status: criteria provided, conflicting classifications (1 of 4 stars). 2 submissions from 2 submitters: Uncertain significance (1); Likely benign (1). Last evaluated 2025-07-24.

Conditions:
Cardiovascular phenotype. Identifiers: MedGen CN230736.
Dilated cardiomyopathy 1AA (CMD1AA). Also called: CARDIOMYOPATHY, DILATED, 1AA, WITH OR WITHOUT LEFT VENTRICULAR NONCOMPACTION; CARDIOMYOPATHY, FAMILIAL HYPERTROPHIC, 23, WITH OR WITHOUT LEFT VENTRICULAR NONCOMPACTION; Cardiomyopathy, dilated, 1AA, with or without LVNC. Identifiers: Orphanet 154, MedGen C2677338, MONDO:0012808, OMIM 612158.
Primary familial hypertrophic cardiomyopathy (HCM). Identifiers: Orphanet 99739, MedGen C0949658, MeSH D024741, MONDO:0024573. Inheritance: Various modes of inheritance.

Allele frequency attached by ClinVar (database versions not stated): gnomAD 0.00001; gnomAD exomes 0.00001.
gnomAD v4.1: 7 of 1,614,116 alleles (0.00043%); highest among the groups gnomAD compares: Non-Finnish European, 0.00059%; no homozygotes.

Submissions (2):

Labcorp Genetics (formerly Invitae), Labcorp
Classification: Likely benign for Primary familial hypertrophic cardiomyopathy; Dilated cardiomyopathy 1AA. Last evaluated: 2025-07-24. Review status: criteria provided, single submitter. Criteria: Invitae Variant Classification Sherloc (09022015). Collection method: clinical testing. Allele origin: germline.

Ambry Genetics
Classification: Uncertain significance for Cardiovascular phenotype. Last evaluated: 2023-12-29. Review status: criteria provided, single submitter. Criteria: Ambry Variant Classification Scheme 2023. Collection method: clinical testing. Allele origin: germline.
Comment: The p.K679Q variant (also known as c.2035A>C), located in coding exon 17 of the ACTN2 gene, results from an A to C substitution at nucleotide position 2035. The lysine at codon 679 is replaced by glutamine, an amino acid with similar properties. This amino acid position is conserved. In addition, this alteration is predicted to be tolerated by in silico analysis. Since supporting evidence is limited at this time, the clinical significance of this alteration remains unclear.